The following is an entry in ClinVar:

ClinVar aggregate classification (germline): Uncertain significance (1 of 4 stars; one submission).

Conditions:
Neurofibromatosis, type 1 (NF1). Also called: Peripheral type neurofibromatosis; VON RECKLINGHAUSEN DISEASE; Neurofibromatosis, type I; NEUROFIBROMATOSIS, TYPE I, SOMATIC. Identifiers: Orphanet 636, MedGen C0027831, MONDO:0018975, OMIM 162200. Disease mechanism: loss of function.

Submission:

Labcorp Genetics (formerly Invitae), Labcorp
Classification: Uncertain significance for Neurofibromatosis, type 1. Last evaluated: 2019-05-02. Review status: criteria provided, single submitter. Criteria: Invitae Variant Classification Sherloc (09022015). Collection method: clinical testing. Allele origin: germline.
Comment: Algorithms developed to predict the effect of sequence changes on RNA splicing suggest that this variant may create or strengthen a splice site, but this prediction has not been confirmed by published transcriptional studies. In summary, the available evidence is currently insufficient to determine the role of this variant in disease. Therefore, it has been classified as a Variant of Uncertain Significance. This variant has not been reported in the literature in individuals with NF1-related conditions. This variant is not present in population databases (ExAC no frequency). This variant, c.8359_8364del, results in the deletion of 2 amino acid(s) of the NF1 protein (p.Cys2787_Asn2788del), but otherwise preserves the integrity of the reading frame.

NM_001042492.3(NF1):c.8422_8427del (p.Cys2808_Asn2809del)

Gene: NF1 (neurofibromin 1; plus strand). Cytogenetic location: 17q11.2.
Variant type: Deletion.
Coding change: c.8422_8427del on transcript NM_001042492.3 (MANE Select); coding-DNA positions 8422 to 8427, 6 bases deleted (TGTAAC; older notation c.8422_8427delTGTAAC).
Protein change: p.Cys2808_Asn2809del.
Molecular consequence: inframe deletion. On other transcripts: inframe indel (1).
Genome position (GRCh38, 1-based): chr17:31,374,057-31,374,062, TGTAAC deleted; deleting any 6 consecutive bases within chr17:31,374,055-31,374,062 gives the same sequence; the c. name uses the placement nearest the transcript's 3' end. VCF-style (leftmost placement, unchanged base first): chr17-31374054-CACTGTA-C. GRCh37 (hg19) VCF-style: chr17-29701072-CACTGTA-C.
Other names: c.8359_8364delTGTAAC, p.Cys2787_Asn2788del (NM_000267.4).
Identifiers: ClinVar variation 842941 (VCV000842941.6), dbSNP rs2070696010, ClinGen allele CA916080690.